The following is an entry in ClinVar:

ClinVar aggregate classification (germline): Conflicting classifications of pathogenicity. Review status: criteria provided, conflicting classifications (1 of 4 stars). 3 submissions from 3 submitters: Uncertain significance (2); Benign (1). Last evaluated 2025-08-11.

Conditions:
Hereditary cancer-predisposing syndrome. Also called: Hereditary Cancer Syndrome; Neoplastic Syndromes, Hereditary; Tumor predisposition; Hereditary neoplastic syndrome. Identifiers: Orphanet 140162, MedGen C0027672, MeSH D009386, MONDO:0015356.
Von Hippel-Lindau syndrome (VHLS). Also called: Von Hippel-Lindau; VHL syndrome; von Hippel–Lindau syndrome. Identifiers: Orphanet 892, MedGen C0019562, MONDO:0008667, OMIM 193300. Disease mechanism: loss of function.
Chuvash polycythemia. Also called: POLYCYTHEMIA, VHL-DEPENDENT. Identifiers: Orphanet 238557, MedGen C1837915, MONDO:0009892, OMIM 263400.

Submissions (3):

Quest Diagnostics Nichols Institute San Juan Capistrano
Classification: Uncertain significance. Last evaluated: 2025-08-11. Review status: criteria provided, single submitter. Criteria: Quest Diagnostics criteria. Collection method: clinical testing. Allele origin: unknown.

Labcorp Genetics (formerly Invitae), Labcorp
Classification: Uncertain significance for Von Hippel-Lindau syndrome; Chuvash polycythemia. Last evaluated: 2025-07-29. Review status: criteria provided, single submitter. Criteria: Invitae Variant Classification Sherloc (09022015). Collection method: clinical testing. Allele origin: germline.
Comment: This sequence change replaces alanine, which is neutral and non-polar, with proline, which is neutral and non-polar, at codon 50 of the VHL protein (p.Ala50Pro). This variant is not present in population databases (gnomAD no frequency). This variant has not been reported in the literature in individuals affected with VHL-related conditions. ClinVar contains an entry for this variant (Variation ID: 1346071). Invitae Evidence Modeling of protein sequence and biophysical properties (such as structural, functional, and spatial information, amino acid conservation, physicochemical variation, residue mobility, and thermodynamic stability) indicates that this missense variant is not expected to disrupt VHL protein function with a negative predictive value of 95%. In summary, the available evidence is currently insufficient to determine the role of this variant in disease. Therefore, it has been classified as a Variant of Uncertain Significance.

Ambry Genetics
Classification: Benign for Hereditary cancer-predisposing syndrome. Last evaluated: 2025-03-17. Review status: criteria provided, single submitter. Criteria: Ambry Variant Classification Scheme 2023. Collection method: clinical testing. Allele origin: germline.

Literature cited by the submitters: PubMed 38969834 (cited by Ambry Genetics).

NM_000551.4(VHL):c.148G>C (p.Ala50Pro)

Gene: VHL (von Hippel-Lindau tumor suppressor; plus strand). Cytogenetic location: 3p25.3.
Variant type: single nucleotide variant.
Coding change: c.148G>C on transcript NM_000551.4 (MANE Select); coding-DNA position 148, G replaced by C.
Protein change: p.Ala50Pro; replaces alanine 50 with proline.
Molecular consequence: missense variant.
Genome position (GRCh38, 1-based): chr3:10,141,995, G>C. VCF-style: chr3-10141995-G-C. GRCh37 (hg19) VCF-style: chr3-10183679-G-C.
Other names: c.148G>C (NM_000551.3); c.148G>C, p.Ala50Pro (NM_001354723.2, NM_198156.3); short protein forms A50P.
Identifiers: ClinVar variation 1346071 (VCV001346071.7), dbSNP rs1696124466, ClinGen allele CA351748241.